The following is an entry in ClinVar:

NM_001457.4(FLNB):c.5072G>A (p.Gly1691Asp)

Gene: FLNB (filamin B; plus strand). Cytogenetic location: 3p14.3.
Variant type: single nucleotide variant.
Coding change: c.5072G>A on transcript NM_001457.4 (MANE Select); coding-DNA position 5072, G replaced by A.
Protein change: p.Gly1691Asp; replaces glycine 1691 with aspartic acid.
Molecular consequence: missense variant.
Genome position (GRCh38, 1-based): chr3:58,138,492, G>A. VCF-style: chr3-58138492-G-A. GRCh37 (hg19) VCF-style: chr3-58124219-G-A.
Other names: c.5165G>A, p.Gly1722Asp (NM_001164317.2); c.5072G>A, p.Gly1691Asp (NM_001164318.2, NM_001164319.2); short protein forms G1691D, G1722D.
Identifiers: ClinVar variation 522782 (VCV000522782.32), dbSNP rs1553704446, ClinGen allele CA353353187.

ClinVar aggregate classification (germline): Pathogenic/Likely pathogenic. Review status: criteria provided, multiple submitters, no conflicts (2 of 4 stars). 3 submissions from 3 submitters: Pathogenic (1); Likely pathogenic (2). Last evaluated 2024-09-24.

Conditions:
Larsen syndrome (LRS). Also called: Bilateral dislocation of the knees, pes cavus, cylindrically shaped fingers and characteristic facies; Larsen syndrome (FLNB-LS). Identifiers: Orphanet 503, MedGen C0175778, MONDO:0007875, OMIM 150250. Disease mechanism: loss of function.
Abnormality of the skeletal system. Identifiers: MedGen C4021790, HP:0000924.

Submissions (3):

Labcorp Genetics (formerly Invitae), Labcorp
Classification: Pathogenic. Last evaluated: 2024-09-24. Review status: criteria provided, single submitter. Criteria: Invitae Variant Classification Sherloc (09022015). Collection method: clinical testing. Allele origin: germline.
Comment: This sequence change replaces glycine, which is neutral and non-polar, with aspartic acid, which is acidic and polar, at codon 1691 of the FLNB protein (p.Gly1691Asp). This variant is not present in population databases (gnomAD no frequency). This missense change has been observed in individual(s) with autosomal dominant Larsen syndrome (PMID: 22190451; internal data). In at least one individual the variant was observed to be de novo. ClinVar contains an entry for this variant (Variation ID: 522782). Invitae Evidence Modeling of protein sequence and biophysical properties (such as structural, functional, and spatial information, amino acid conservation, physicochemical variation, residue mobility, and thermodynamic stability) indicates that this missense variant is not expected to disrupt FLNB protein function with a negative predictive value of 95%. This variant disrupts the p.Gly1691 amino acid residue in FLNB. Other variant(s) that disrupt this residue have been determined to be pathogenic (PMID: 14991055, 16648377, 16752402, 27048506). This suggests that this residue is clinically significant, and that variants that disrupt this residue are likely to be disease-causing. For these reasons, this variant has been classified as Pathogenic.

Kariminejad - Najmabadi Pathology & Genetics Center
Classification: Likely pathogenic for Abnormality of the skeletal system. Last evaluated: 2021-07-10. Review status: criteria provided, single submitter. Criteria: ACMG Guidelines, 2015. Collection method: clinical testing. Allele origin: de novo. Affected: yes.

Genomic Research Center, Shahid Beheshti University of Medical Sciences
Classification: Likely pathogenic for Larsen syndrome, dominant type. Last evaluated: 2020-05-03. Review status: criteria provided, single submitter. Criteria: ACMG Guidelines, 2015. Collection method: clinical testing. Allele origin: unknown. Affected: yes.

Literature cited by the submitters: PubMed 22190451 (cited by Labcorp Genetics (formerly Invitae), Labcorp); PubMed 14991055 (cited by Labcorp Genetics (formerly Invitae), Labcorp); PubMed 16648377 (cited by Labcorp Genetics (formerly Invitae), Labcorp); PubMed 16752402 (cited by Labcorp Genetics (formerly Invitae), Labcorp); PubMed 27048506 (cited by Labcorp Genetics (formerly Invitae), Labcorp).